The following is an entry in ClinVar:

NC_012920.1(MT-ND2):m.4768T>C

Gene: MT-ND2 (mitochondrially encoded NADH dehydrogenase 2; plus strand).
Variant type: single nucleotide variant.
Genome position: chrM-4768-T-C.
Identifiers: ClinVar variation 235413 (VCV000235413.3), dbSNP rs878853032, ClinGen allele CA10581304.
Genomic context (GRCh38, chrMT:4,768, plus strand): 5'-TCTCCGGACAATGAACCATAACCAATACTACCAATCAATACTCATCATTAATAATCATAA[T>C]AGCTATAGCAATAAAACTAGGAATAGCCCCCTTTCACTTCTGAGTCCCAGAGGTTACCCA-3'

ClinVar aggregate classification (germline): Uncertain significance (1 of 4 stars; one submission).

Submission:

Center for Pediatric Genomic Medicine, Children's Mercy Hospital and Clinics
Classification: Uncertain significance. Last evaluated: 2016-02-18. Review status: criteria provided, single submitter. Criteria: ACMG Guidelines, 2015. Collection method: clinical testing. Allele origin: germline.
ClinVar note: Converted during submission from Uncertain Significance to Uncertain significance.